The following is an entry in ClinVar:

NM_005883.3(APC2):c.6840G>A (p.Met2280Ile)

Gene: APC2 (APC regulator of Wnt signaling pathway 2; plus strand). Cytogenetic location: 19p13.3.
Variant type: single nucleotide variant.
Coding change: c.6840G>A on transcript NM_005883.3 (MANE Select); coding-DNA position 6840, G replaced by A.
Protein change: p.Met2280Ile; replaces methionine 2280 with isoleucine.
Molecular consequence: missense variant.
Genome position (GRCh38, 1-based): chr19:1,470,141, G>A. VCF-style: chr19-1470141-G-A. GRCh37 (hg19) VCF-style: chr19-1470140-G-A.
Other names: c.6837G>A, p.Met2279Ile (NM_001351273.1); short protein forms M2280I, M2279I.
Identifiers: ClinVar variation 2132744 (VCV002132744.4), dbSNP rs1192322319, ClinGen allele CA403044718.
Genomic context (GRCh38, chr19:1,470,141, plus strand): 5'-GCACGGCTCCCCCAGCCGCTCGGCCCGAGTACCCCCCTTCAACTATGTGCCCAGCCCCAT[G>A]GTGGTCGCAGCCACCACCGACTCGGCCGCGGAGAAAGCCCCGGCCACTGCCTCCGCCACC-3'
Protein context (NP_005874.1, residues 2270-2290): VPPFNYVPSP[Met2280Ile]VVAATTDSAA

ClinVar aggregate classification (germline): Uncertain significance (1 of 4 stars; one submission).

Submission:

Labcorp Genetics (formerly Invitae), Labcorp
Classification: Uncertain significance. Last evaluated: 2023-10-03. Review status: criteria provided, single submitter. Criteria: Invitae Variant Classification Sherloc (09022015). Collection method: clinical testing. Allele origin: germline.
Comment: This sequence change replaces methionine, which is neutral and non-polar, with isoleucine, which is neutral and non-polar, at codon 2280 of the APC2 protein (p.Met2280Ile). This variant is not present in population databases (gnomAD no frequency). This variant has not been reported in the literature in individuals affected with APC2-related conditions. ClinVar contains an entry for this variant (Variation ID: 2132744). Advanced modeling of protein sequence and biophysical properties (such as structural, functional, and spatial information, amino acid conservation, physicochemical variation, residue mobility, and thermodynamic stability) performed at Invitae indicates that this missense variant is not expected to disrupt APC2 protein function. In summary, the available evidence is currently insufficient to determine the role of this variant in disease. Therefore, it has been classified as a Variant of Uncertain Significance.